The following is an entry in ClinVar:

NM_005762.3(TRIM28):c.1491C>T (p.Leu497=)

Gene: TRIM28 (tripartite motif containing 28; plus strand). Cytogenetic location: 19q13.43.
Variant type: single nucleotide variant.
Coding change: c.1491C>T on transcript NM_005762.3 (MANE Select); coding-DNA position 1491, C replaced by T.
Protein change: p.Leu497=; no amino-acid change (leucine 497 retained).
Molecular consequence: synonymous variant.
Genome position (GRCh38, 1-based): chr19:58,549,069, C>T. VCF-style: chr19-58549069-C-T. GRCh37 (hg19) VCF-style: chr19-59060436-C-T.
Identifiers: ClinVar variation 3778182 (VCV003778182.7).

ClinVar aggregate classification (germline): Likely benign (1 of 4 stars; one submission).

Submission:

CeGaT Center for Human Genetics Tuebingen
Classification: Likely benign. Last evaluated: 2025-03-01. Review status: criteria provided, single submitter. Criteria: CeGaT Center For Human Genetics Tuebingen Variant Classification Criteria Version 2. Collection method: clinical testing. Allele origin: germline. Affected: yes. Observed: 1 variant allele.
Comment: TRIM28: BP4, BP7